The following is an entry in ClinVar:

NM_147127.5(EVC2):c.1788_1793del (p.Tyr597_Leu598del)

Gene: EVC2 (EvC ciliary complex subunit 2; minus strand). Cytogenetic location: 4p16.2.
Variant type: Deletion.
Coding change: c.1788_1793del on transcript NM_147127.5 (MANE Select); coding-DNA positions 1788 to 1793, 6 bases deleted (ATATCT; older notation c.1788_1793delATATCT).
Protein change: p.Tyr597_Leu598del.
Molecular consequence: inframe deletion.
Genome position (GRCh38, 1-based): chr4:5,628,652-5,628,657, AGATAT deleted on the plus strand (ATATCT on the coding strand, the reverse complement: EVC2 is on the minus strand). VCF-style (leftmost placement, unchanged base first): chr4-5628651-CAGATAT-C. GRCh37 (hg19) VCF-style: chr4-5630378-CAGATAT-C.
Other names: c.1548_1553del, p.Tyr517_Leu518del (NM_001166136.2).
Identifiers: ClinVar variation 2922844 (VCV002922844.3), dbSNP rs1167416045, ClinGen allele CA549707404.

ClinVar aggregate classification (germline): Uncertain significance (1 of 4 stars; one submission).

Conditions:
Curry-Hall syndrome (WAD). Also called: WEYERS ACRODENTAL DYSOSTOSIS. Identifiers: Orphanet 952, MedGen C0457013, MONDO:0008673, OMIM 193530.
Ellis-van Creveld syndrome (EVC). Also called: EVC-Related Ellis-van Creveld Syndrome; EVC2-Related Ellis-van Creveld Syndrome; MESOECTODERMAL DYSPLASIA; Chondroectodermal dysplasia. Identifiers: Orphanet 289, MedGen C0013903, MONDO:0009162, OMIM 225500.

Allele frequency attached by ClinVar (database versions not stated): gnomAD exomes below 0.00001; TOPMed below 0.00001.

Submission:

Labcorp Genetics (formerly Invitae), Labcorp
Classification: Uncertain significance for Curry-Hall syndrome; Ellis-van Creveld syndrome. Last evaluated: 2023-02-22. Review status: criteria provided, single submitter. Criteria: Invitae Variant Classification Sherloc (09022015). Collection method: clinical testing. Allele origin: germline.
Comment: This variant, c.1788_1793del, results in the deletion of 2 amino acid(s) of the EVC2 protein (p.Tyr597_Leu598del), but otherwise preserves the integrity of the reading frame. This variant is present in population databases (no rsID available, gnomAD 0.006%). This variant has not been reported in the literature in individuals affected with EVC2-related conditions. Experimental studies and prediction algorithms are not available or were not evaluated, and the functional significance of this variant is currently unknown. In summary, the available evidence is currently insufficient to determine the role of this variant in disease. Therefore, it has been classified as a Variant of Uncertain Significance.